The following is an entry in ClinVar:

NM_006372.5(SYNCRIP):c.1523C>T (p.Pro508Leu)

Gene: SYNCRIP (synaptotagmin binding cytoplasmic RNA interacting protein; minus strand). Cytogenetic location: 6q14.3.
Variant type: single nucleotide variant.
Coding change: c.1523C>T on transcript NM_006372.5 (MANE Select); coding-DNA position 1523, C replaced by T.
Protein change: p.Pro508Leu; replaces proline 508 with leucine.
Molecular consequence: missense variant.
Genome position (GRCh38, 1-based): chr6:85,615,105, G>A on the plus strand (C>T on the coding strand, the complement: SYNCRIP is on the minus strand). VCF-style: chr6-85615105-G-A. GRCh37 (hg19) VCF-style: chr6-86324823-G-A.
Other names: c.1229C>T, p.Pro410Leu (NM_001159673.2, NM_001410938.1); c.1418C>T, p.Pro473Leu (NM_001159674.2, NM_001159675.2); c.1523C>T, p.Pro508Leu (NM_001159676.2, NM_001159677.2); c.1067C>T, p.Pro356Leu (NM_001253771.2); short protein forms P356L, P410L, P473L, P508L.
Identifiers: ClinVar variation 2635369 (VCV002635369.2), dbSNP rs769858049, ClinGen allele CA3912668.

ClinVar aggregate classification (germline): Uncertain significance. Review status: criteria provided, multiple submitters, no conflicts (2 of 4 stars). 2 submissions from 2 submitters: Uncertain significance (2). Last evaluated 2025-10-23.

Conditions:
Inborn genetic diseases. Identifiers: MedGen C0950123, MeSH D030342.
SYNCRIP-related disorder. Also called: SYNCRIP-related condition.

Allele frequency attached by ClinVar (database versions not stated): ExAC 0.00001; gnomAD exomes below 0.00001; gnomAD 0.00001.
gnomAD v4.1: 11 of 1,614,064 alleles (0.00068%); highest among the groups gnomAD compares: Admixed American, 0.0083%; no homozygotes.

Submissions (2):

Ambry Genetics
Classification: Uncertain significance for Inborn genetic diseases. Last evaluated: 2025-10-23. Review status: criteria provided, single submitter. Criteria: Ambry Variant Classification Scheme 2023. Collection method: clinical testing. Allele origin: germline.

PreventionGenetics, part of Exact Sciences
Classification: Uncertain significance for SYNCRIP-related condition. Last evaluated: 2022-12-22. Review status: criteria provided, single submitter. Criteria: ACMG Guidelines, 2015. Collection method: clinical testing. Allele origin: germline.
Comment: The SYNCRIP c.1523C>T variant is predicted to result in the amino acid substitution p.Pro508Leu. To our knowledge, this variant has not been reported in the literature. This variant is reported in 0.0% of alleles in individuals of African descent in gnomAD. At this time, the clinical significance of this variant is uncertain due to the absence of conclusive functional and genetic evidence.